The following is an entry in ClinVar:

ClinVar aggregate classification (germline): Benign/Likely benign. Review status: criteria provided, multiple submitters, no conflicts (2 of 4 stars). 5 submissions from 5 submitters: Benign (4); Likely benign (1). Last evaluated 2026-05-01.

Conditions:
Spermatogenic failure 18. Identifiers: MedGen C4539783, MONDO:0054615, OMIM 617576.
Ciliary dyskinesia, primary, 37 (CILD37). Also called: CILIARY DYSKINESIA, PRIMARY, 37, WITH OR WITHOUT SITUS INVERSUS. Identifiers: MedGen C4539798, MONDO:0033204, OMIM 617577.

Allele frequency attached by ClinVar (database versions not stated): 1000 Genomes Project 30x 0.00109; 1000 Genomes Project 0.00140; TOPMed 0.00414; gnomAD 0.00421 and 0.00426; gnomAD exomes 0.00457 and 0.00803; ExAC 0.00465; ESP Exome Variant Server 0.00552.
gnomAD v4.1: 12,290 of 1,613,952 alleles (0.76%); highest among the groups gnomAD compares: Non-Finnish European, 0.95%; 67 homozygotes.

Submissions (6):

CeGaT Center for Human Genetics Tuebingen
Classification: Likely benign. Last evaluated: 2026-05-01. Review status: criteria provided, single submitter. Criteria: CeGaT Center For Human Genetics Tuebingen Variant Classification Criteria Version 2. Collection method: clinical testing. Allele origin: germline. Affected: yes. Observed: 12 variant alleles.
Comment: DNAH1: BP4, BP7, BS2

Labcorp Genetics (formerly Invitae), Labcorp
Classification: Benign for Ciliary dyskinesia, primary, 37; Spermatogenic failure 18. Last evaluated: 2026-01-22. Review status: criteria provided, single submitter. Criteria: Invitae Variant Classification Sherloc (09022015). Collection method: clinical testing. Allele origin: germline.

ARUP Laboratories, Molecular Genetics and Genomics, ARUP Laboratories
Classification: Benign. Last evaluated: 2024-12-27. Review status: criteria provided, single submitter. Criteria: ARUP Molecular Germline Variant Investigation Process 2024. Collection method: clinical testing. Allele origin: germline.

Mayo Clinic Laboratories, Mayo Clinic
Classification: Benign. Last evaluated: 2024-11-26. Review status: criteria provided, single submitter. Criteria: ACMG Guidelines, 2015. Collection method: clinical testing. Allele origin: germline. Observed: 3 variant alleles.
Comment: BS1, BS2, BP4, BP7

Breakthrough Genomics
Classification: Benign. Review status: criteria provided, single submitter. Criteria: ACMG Guidelines, 2015. Collection method: not provided. Allele origin: germline. Inheritance: Autosomal recessive inheritance. Affected: yes.

Dr. Peter K. Rogan Lab, Western University
No classification provided (evidence only). Condition: Lung cancer. Review status: no classification provided. Collection method: in vitro. Allele origin: not applicable. Functional consequence: retained intron. Not counted in ClinVar's aggregate classification.

NM_015512.5(DNAH1):c.3111G>A (p.Ser1037=)

Gene: DNAH1 (dynein axonemal heavy chain 1; plus strand). Cytogenetic location: 3p21.1.
Variant type: single nucleotide variant.
Coding change: c.3111G>A on transcript NM_015512.5 (MANE Select); coding-DNA position 3111, G replaced by A.
Protein change: p.Ser1037=; no amino-acid change (serine 1037 retained).
Molecular consequence: synonymous variant.
Genome position (GRCh38, 1-based): chr3:52,353,186, G>A. VCF-style: chr3-52353186-G-A. GRCh37 (hg19) VCF-style: chr3-52387202-G-A.
Other names: p.Ser1037=.
Identifiers: ClinVar variation 478438 (VCV000478438.38), dbSNP rs77639782, ClinGen allele CA2433483.
Genomic context (GRCh38, chr3:52,353,186, plus strand): 5'-GAAGGAGTTCCAACCCTACCTGGACCTTTGGACCACAGCGTCTGACTGGCTGCGCTGGTC[G>A]GAGAGCTGGATGAATGACCCCCTCTCTGCCATCGATGCTGAGCAGCTGGAGAAGAACGTG-3'
Protein context (NP_056327.4, residues 1027-1047): WTTASDWLRW[Ser1037=]ESWMNDPLSA